The following is an entry in ClinVar:

ClinVar aggregate classification (germline): Uncertain significance (1 of 4 stars; one submission).

Submission:

Ambry Genetics
Classification: Uncertain significance. Last evaluated: 2025-12-01. Review status: criteria provided, single submitter. Criteria: Ambry Variant Classification Scheme 2023. Collection method: clinical testing. Allele origin: germline.
Comment: The p.P332A variant (also known as c.994C>G), located in coding exon 5 of the PALLD gene, results from a C to G substitution at nucleotide position 994. The proline at codon 332 is replaced by alanine, an amino acid with highly similar properties. This amino acid position is conserved. In addition, this alteration is predicted to be tolerated by in silico analysis. Based on the available evidence, the clinical significance of this variant remains unclear.

NM_001166108.2(PALLD):c.2506C>G (p.Pro836Ala)

Genes: CBR4 (carbonyl reductase 4; minus strand), PALLD (palladin, cytoskeletal associated protein; plus strand). Cytogenetic location: 4q32.3.
Variant type: single nucleotide variant.
Coding change: c.2506C>G on transcript NM_001166108.2 (MANE Select); coding-DNA position 2506, C replaced by G.
Protein change: p.Pro836Ala; replaces proline 836 with alanine.
Molecular consequence: missense variant.
Genome position (GRCh38, 1-based): chr4:168,903,790, C>G. VCF-style: chr4-168903790-C-G. GRCh37 (hg19) VCF-style: chr4-169824941-C-G.
Other names: c.1309C>G, p.Pro437Ala (NM_001166109.2); c.994C>G, p.Pro332Ala (NM_001166110.2); c.334C>G, p.Pro112Ala (NM_001367567.1, NM_001367569.1); c.385C>G, p.Pro129Ala (NM_001367568.1, NM_001367570.1); c.2455C>G, p.Pro819Ala (NM_016081.4); short protein forms P819A, P836A, P129A, P112A, P332A, P437A.
Identifiers: ClinVar variation 4564199 (VCV004564199.1).